The following is an entry in ClinVar:

ClinVar aggregate classification (germline): Uncertain significance (1 of 4 stars; one submission).

Conditions:
Inborn genetic diseases. Identifiers: MedGen C0950123, MeSH D030342.

Allele frequency attached by ClinVar (database versions not stated): TOPMed below 0.00001.

Submission:

Ambry Genetics
Classification: Uncertain significance for Inborn genetic diseases. Last evaluated: 2023-11-24. Review status: criteria provided, single submitter. Criteria: Ambry Variant Classification Scheme 2023. Collection method: clinical testing. Allele origin: germline.
Comment: The p.E483D variant (also known as c.1449G>T), located in coding exon 10 of the ACD gene, results from a G to T substitution at nucleotide position 1449. The glutamic acid at codon 483 is replaced by aspartic acid, an amino acid with highly similar properties. This amino acid position is conserved. In addition, this alteration is predicted to be tolerated by in silico analysis. Since supporting evidence is limited at this time, the clinical significance of this alteration remains unclear.

NM_001082486.2(ACD):c.1191G>T (p.Glu397Asp)

Gene: ACD (ACD shelterin complex subunit and telomerase recruitment factor; minus strand). Cytogenetic location: 16q22.1.
Variant type: single nucleotide variant.
Coding change: c.1191G>T on transcript NM_001082486.2 (MANE Select); coding-DNA position 1191, G replaced by T.
Protein change: p.Glu397Asp; replaces glutamic acid 397 with aspartic acid.
Molecular consequence: missense variant.
Genome position (GRCh38, 1-based): chr16:67,658,001, C>A on the plus strand (G>T on the coding strand, the complement: ACD is on the minus strand). VCF-style: chr16-67658001-C-A. GRCh37 (hg19) VCF-style: chr16-67691904-C-A.
Other names: c.1104G>T, p.Glu368Asp (NM_001410884.1); c.1182G>T, p.Glu394Asp (NM_022914.3); short protein forms E394D, E368D, E397D.
Identifiers: ClinVar variation 1772873 (VCV001772873.2), dbSNP rs2052908283, ClinGen allele CA396351583.
Genomic context (GRCh38, chr16:67,658,001, plus strand): 5'-GGCCTTCCTTGTTCTACCCTCCAGCTGCAGAGGGGCTATGCTCACCCAGACAGAGCAGGG[C>A]TCCTGGGCTCCCCTGGTAGCTCCGGTCCTGGGAAAAGGCGGCCGATTCTTGCAGGGCAAC-3'
Protein context (NP_001075955.2, residues 387-407): PRTGATRGAQ[Glu397Asp]PCSVWEPPKR